The following is an entry in ClinVar:

ClinVar aggregate classification (germline): Uncertain significance. Review status: criteria provided, multiple submitters, no conflicts (2 of 4 stars). 2 submissions from 2 submitters: Uncertain significance (2). Last evaluated 2025-08-01.

Allele frequency attached by ClinVar (database versions not stated): ExAC 0.00001; gnomAD exomes 0.00001; TOPMed 0.00001; gnomAD 0.00002.
gnomAD v4.1: 6 of 1,613,370 alleles (0.00037%); highest among the groups gnomAD compares: Admixed American, 0.005%; no homozygotes.

Submissions (2):

CeGaT Center for Human Genetics Tuebingen
Classification: Uncertain significance. Last evaluated: 2025-08-01. Review status: criteria provided, single submitter. Criteria: CeGaT Center For Human Genetics Tuebingen Variant Classification Criteria Version 2. Collection method: clinical testing. Allele origin: germline. Affected: yes. Observed: 1 variant allele.
Comment: NFKB1: PM2, BP4

Labcorp Genetics (formerly Invitae), Labcorp
Classification: Uncertain significance. Last evaluated: 2023-03-17. Review status: criteria provided, single submitter. Criteria: Invitae Variant Classification Sherloc (09022015). Collection method: clinical testing. Allele origin: germline.
Comment: In summary, the available evidence is currently insufficient to determine the role of this variant in disease. Therefore, it has been classified as a Variant of Uncertain Significance. This sequence change replaces glycine, which is neutral and non-polar, with glutamic acid, which is acidic and polar, at codon 399 of the NFKB1 protein (p.Gly399Glu). The frequency data for this variant in the population databases is considered unreliable, as metrics indicate poor data quality at this position in the gnomAD database. This variant has not been reported in the literature in individuals affected with NFKB1-related conditions. Advanced modeling of protein sequence and biophysical properties (such as structural, functional, and spatial information, amino acid conservation, physicochemical variation, residue mobility, and thermodynamic stability) performed at Invitae indicates that this missense variant is not expected to disrupt NFKB1 protein function.

NM_003998.4(NFKB1):c.1196G>A (p.Gly399Glu)

Gene: NFKB1 (nuclear factor kappa B subunit 1; plus strand). Cytogenetic location: 4q24.
Variant type: single nucleotide variant.
Coding change: c.1196G>A on transcript NM_003998.4 (MANE Select); coding-DNA position 1196, G replaced by A.
Protein change: p.Gly399Glu; replaces glycine 399 with glutamic acid.
Molecular consequence: missense variant.
Genome position (GRCh38, 1-based): chr4:102,593,554, G>A. VCF-style: chr4-102593554-G-A. GRCh37 (hg19) VCF-style: chr4-103514711-G-A.
Other names: c.1154G>A, p.Gly385Glu (NM_001382628.1); c.1193G>A, p.Gly398Glu (NM_001165412.2, NM_001319226.2, NM_001382627.1); c.1196G>A, p.Gly399Glu (NM_001382625.1, NM_001382626.1); short protein forms G385E, G399E, G398E.
Identifiers: ClinVar variation 2968645 (VCV002968645.11), dbSNP rs772141760, ClinGen allele CA3026092.